The following is an entry in ClinVar:

NM_001370466.1(NOD2):c.2251G>A (p.Glu751Lys)

Gene: NOD2 (nucleotide binding oligomerization domain containing 2; plus strand). Cytogenetic location: 16q12.1.
Variant type: single nucleotide variant.
Coding change: c.2251G>A on transcript NM_001370466.1 (MANE Select); coding-DNA position 2251, G replaced by A.
Protein change: p.Glu751Lys; replaces glutamic acid 751 with lysine.
Molecular consequence: missense variant. On other transcripts: non-coding transcript variant (1).
Genome position (GRCh38, 1-based): chr16:50,712,243, G>A. VCF-style: chr16-50712243-G-A. GRCh37 (hg19) VCF-style: chr16-50746154-G-A.
Other names: c.2251G>A, p.Glu751Lys (NM_001293557.2); c.2332G>A, p.Glu778Lys (NM_022162.3); c.2332G>A (LRG_177t1); short protein forms E778K, E751K.
Identifiers: ClinVar variation 97848 (VCV000097848.37), dbSNP rs104895443, ClinGen allele CA150256.

ClinVar aggregate classification (germline): Conflicting classifications of pathogenicity. Review status: criteria provided, conflicting classifications (1 of 4 stars). 10 submissions from 10 submitters: Uncertain significance (5); Likely benign (4). 1 of the submissions does not count toward it. Last evaluated 2026-01-02.

Conditions:
Inflammatory bowel disease 1 (IBD1). Also called: Inflammatory bowel disease 1, Crohn disease; INFLAMMATORY BOWEL DISEASE (CROHN DISEASE) 1. Identifiers: MedGen CN260071, MONDO:0009960, OMIM 266600.
Autoinflammatory syndrome. Identifiers: Orphanet 93665, MedGen C3890737, MONDO:0019751.
Blau syndrome (BLAUS). Also called: GRANULOMATOSIS, FAMILIAL JUVENILE SYSTEMIC; GRANULOMATOSIS, FAMILIAL, BLAU TYPE; GRANULOMATOUS INFLAMMATORY ARTHRITIS, DERMATITIS, AND UVEITIS, FAMILIAL; JABS SYNDROME; ARTHROCUTANEOUVEAL GRANULOMATOSIS. Identifiers: Orphanet 90340, MedGen C5201146, MONDO:0008523, OMIM 186580.
Regional enteritis. Also called: Enteritis, Granulomatous. Identifiers: MedGen C0678202, MeSH D003424.

Allele frequency attached by ClinVar (database versions not stated): ESP Exome Variant Server 0.00015; 1000 Genomes Project 30x 0.00016; TOPMed 0.00018; gnomAD 0.00019 and 0.00020; 1000 Genomes Project 0.00020; ExAC 0.00021; gnomAD exomes 0.00024 and 0.00043.
gnomAD v4.1: 647 of 1,613,934 alleles (0.04%); highest among the groups gnomAD compares: Non-Finnish European, 0.053%; no homozygotes.

Submissions (10):

Labcorp Genetics (formerly Invitae), Labcorp
Classification: Likely benign for Regional enteritis; Blau syndrome. Last evaluated: 2026-01-02. Review status: criteria provided, single submitter. Criteria: Invitae Variant Classification Sherloc (09022015). Collection method: clinical testing. Allele origin: germline.

Mayo Clinic Laboratories, Mayo Clinic
Classification: Likely benign. Last evaluated: 2025-10-16. Review status: criteria provided, single submitter. Criteria: ACMG Guidelines, 2015. Collection method: clinical testing. Allele origin: germline. Observed: 2 variant alleles.
Comment: BS1

Dasa
Classification: Uncertain significance. Last evaluated: 2025-09-24. Review status: criteria provided, single submitter. Criteria: DASA Assertion Criteria. Collection method: clinical testing. Allele origin: germline.
Comment: NM_001370466.1(NOD2):c.2251G>A (p.Glu751Lys) is a missense variant that results in the substitution of glutamic acid with lysine. This variant has been reported in individuals with NOD2-related disorders (PMID: 39611152). Also, this variant is rare in population databases. The currently available literature and clinical evidence are not sufficient to establish a definitive association between this variant and the reported condition. Therefore, this variant is classified as a variant of uncertain significance.

CeGaT Center for Human Genetics Tuebingen
Classification: Likely benign. Last evaluated: 2025-09-01. Review status: criteria provided, single submitter. Criteria: CeGaT Center For Human Genetics Tuebingen Variant Classification Criteria Version 2. Collection method: clinical testing. Allele origin: germline. Affected: yes. Observed: 1 variant allele.
Comment: NOD2: BS1

Blueprint Genetics
Classification: Uncertain significance. Last evaluated: 2024-10-15. Review status: criteria provided, single submitter. Criteria: ACMG Guidelines, 2015. Collection method: clinical testing. Allele origin: germline.

Genome Diagnostics Laboratory, The Hospital for Sick Children
Classification: Uncertain significance for Autoinflammatory syndrome. Last evaluated: 2021-11-29. Review status: criteria provided, single submitter. Criteria: ACMG Guidelines, 2015. Collection method: clinical testing. Allele origin: germline. Affected: yes.

Genomic Research Center, Shahid Beheshti University of Medical Sciences
Classification: Uncertain significance. Last evaluated: 2019-01-01. Review status: criteria provided, single submitter. Criteria: ACMG Guidelines, 2015. Collection method: clinical testing. Allele origin: unknown. Affected: yes. Observed: 1 variant allele.

Illumina Laboratory Services, Illumina
Classification: Likely benign for Blau syndrome. Last evaluated: 2018-03-08. Review status: criteria provided, single submitter. Criteria: ICSL Variant Classification Criteria 13 December 2019. Collection method: clinical testing. Allele origin: germline.
Comment: This variant was observed as part of a predisposition screen in an ostensibly healthy population. A literature search was performed for the gene, cDNA change, and amino acid change (where applicable). No publications were found based on this search. Allele frequency data from public databases allowed determination this variant is unlikely to cause disease. Therefore, this variant is classified as likely benign.

Baylor-Hopkins Center for Mendelian Genomics, Johns Hopkins University School of Medicine
Classification: Uncertain significance for Inflammatory bowel disease 1. Review status: criteria provided, single submitter. Criteria: ACMG Guidelines, 2015. Collection method: research. Allele origin: germline. Affected: yes. Observed: 1 variant allele, 1 heterozygote.

Unité médicale des maladies autoinflammatoires, CHRU Montpellier
No classification provided. Condition: Sarcoidosis, early-onset. Review status: no classification provided. Collection method: not provided. Allele origin: unknown. Not counted in ClinVar's aggregate classification.
Comment: also involved in OMIM 186580 and 266600

Literature cited by the submitters: PubMed 11385576 (cited by Mayo Clinic Laboratories, Mayo Clinic); PubMed 11875755 (cited by Mayo Clinic Laboratories, Mayo Clinic); PubMed 15044951 (cited by Mayo Clinic Laboratories, Mayo Clinic); PubMed 32654169 (cited by Mayo Clinic Laboratories, Mayo Clinic); PubMed 39611152 (cited by Dasa).